The following is an entry in ClinVar:

ClinVar aggregate classification (germline): Uncertain significance (1 of 4 stars; one submission).

gnomAD v4.1: 1 of 1,614,208 alleles (0.000062%); highest among the groups gnomAD compares: Admixed American, 0.0017%; no homozygotes.

Submission:

Ambry Genetics
Classification: Uncertain significance. Last evaluated: 2026-04-18. Review status: criteria provided, single submitter. Criteria: Ambry Variant Classification Scheme 2023. Collection method: clinical testing. Allele origin: germline.
Comment: The p.R288G variant (also known as c.862A>G), located in coding exon 1 of the MLH3 gene, results from an A to G substitution at nucleotide position 862. The arginine at codon 288 is replaced by glycine, an amino acid with dissimilar properties. This amino acid position is conserved. In addition, this alteration is predicted to be tolerated by in silico analysis. Based on the available evidence, the clinical significance of this variant remains unclear.

NM_001040108.2(MLH3):c.862A>G (p.Arg288Gly)

Gene: MLH3 (mutL homolog 3; minus strand). Cytogenetic location: 14q24.3.
Variant type: single nucleotide variant.
Coding change: c.862A>G on transcript NM_001040108.2 (MANE Select); coding-DNA position 862, A replaced by G.
Protein change: p.Arg288Gly; replaces arginine 288 with glycine.
Molecular consequence: missense variant.
Genome position (GRCh38, 1-based): chr14:75,048,794, T>C on the plus strand (A>G on the coding strand, the complement: MLH3 is on the minus strand). VCF-style: chr14-75048794-T-C. GRCh37 (hg19) VCF-style: chr14-75515497-T-C.
Other names: c.862A>G, p.Arg288Gly (NM_014381.3); short protein forms R288G.
Identifiers: ClinVar variation 4860184 (VCV004860184.1).